The following is an entry in ClinVar:

NM_006901.4(MYO9A):c.5807C>T (p.Thr1936Met)

Gene: MYO9A (myosin IXA; minus strand). Cytogenetic location: 15q23.
Variant type: single nucleotide variant.
Coding change: c.5807C>T on transcript NM_006901.4 (MANE Select); coding-DNA position 5807, C replaced by T.
Protein change: p.Thr1936Met; replaces threonine 1936 with methionine.
Molecular consequence: missense variant.
Genome position (GRCh38, 1-based): chr15:71,878,164, G>A on the plus strand (C>T on the coding strand, the complement: MYO9A is on the minus strand). VCF-style: chr15-71878164-G-A. GRCh37 (hg19) VCF-style: chr15-72170505-G-A.
Other names: short protein forms T1936M.
Identifiers: ClinVar variation 1031104 (VCV001031104.1), dbSNP rs779857942, ClinGen allele CA7641057.

ClinVar aggregate classification (germline): Uncertain significance (1 of 4 stars; one submission).

Conditions:
Myasthenic syndrome, congenital, 24, presynaptic. Identifiers: MedGen C4748684, MONDO:0032597, OMIM 618198.

Allele frequency attached by ClinVar (database versions not stated): gnomAD exomes below 0.00001 and 0.00001; gnomAD 0.00001; TOPMed 0.00001; ExAC 0.00002.
gnomAD v4.1: 7 of 1,612,076 alleles (0.00043%); highest among the groups gnomAD compares: African/African-American, 0.0027%; no homozygotes.

Submission:

Baylor Genetics
Classification: Uncertain significance for Myasthenic syndrome, congenital, 24, presynaptic. Last evaluated: 2020-08-27. Review status: criteria provided, single submitter. Criteria: ACMG Guidelines, 2015. Collection method: clinical testing. Allele origin: unknown. Affected: yes.
Comment: This variant was determined to be of uncertain significance according to ACMG Guidelines, 2015 [PMID:25741868].